The following is an entry in ClinVar:

ClinVar aggregate classification (germline): Conflicting classifications of pathogenicity. Review status: criteria provided, conflicting classifications (1 of 4 stars). 4 submissions from 4 submitters: Uncertain significance (1); Benign (1); Likely benign (1). 1 of the submissions does not count toward it. Last evaluated 2025-11-13.

Conditions:
Imerslund-Grasbeck syndrome type 1 (IGS1). Also called: Megaloblastic anemia 1, Finnish type; Imerslund-Gräsbeck syndrome 1; MEGALOBLASTIC ANEMIA, 1. Identifiers: MedGen C4016819, MONDO:0100156, OMIM 261100.
CUBN-related disorder. Also called: CUBN-related condition.
Imerslund-Grasbeck syndrome. Also called: ENTEROCYTE COBALAMIN MALABSORPTION; ENTEROCYTE INTRINSIC FACTOR RECEPTOR, DEFECT OF; PERNICIOUS ANEMIA, JUVENILE, DUE TO SELECTIVE INTESTINAL MALABSORPTION OF VITAMIN B12, WITH PROTEINURIA; Megaloblastic anemia due to inborn errors of metabolism; Imerslund-Gräsbeck syndrome. Identifiers: Orphanet 35858, MedGen C4551825, MONDO:0009853.

Allele frequency attached by ClinVar (database versions not stated): 1000 Genomes Project 30x 0.00016.
gnomAD v4.1: 672 of 1,614,036 alleles (0.042%); highest among the groups gnomAD compares: Middle Eastern, 0.099%; 1 homozygote.

Submissions (4):

Labcorp Genetics (formerly Invitae), Labcorp
Classification: Benign for Imerslund-Grasbeck syndrome. Last evaluated: 2025-11-13. Review status: criteria provided, single submitter. Criteria: Invitae Variant Classification Sherloc (09022015). Collection method: clinical testing. Allele origin: germline.

Blueprint Genetics
Classification: Likely benign. Last evaluated: 2024-09-18. Review status: criteria provided, single submitter. Criteria: ACMG Guidelines, 2015. Collection method: clinical testing. Allele origin: germline.

Illumina Laboratory Services, Illumina
Classification: Uncertain significance for Imerslund-Grasbeck syndrome type 1. Last evaluated: 2018-01-13. Review status: criteria provided, single submitter. Criteria: ICSL Variant Classification Criteria 13 December 2019. Collection method: clinical testing. Allele origin: germline.

PreventionGenetics, part of Exact Sciences
Classification: Likely benign for CUBN-related condition. Last evaluated: 2020-09-30. Review status: no assertion criteria provided. Collection method: clinical testing. Allele origin: germline. Not counted in ClinVar's aggregate classification.
Comment: This variant is classified as likely benign based on ACMG/AMP sequence variant interpretation guidelines (Richards et al. 2015 PMID: 25741868, with internal and published modifications).

NM_001081.4(CUBN):c.3604G>T (p.Ala1202Ser)

Gene: CUBN (cubilin; minus strand). Cytogenetic location: 10p13.
Variant type: single nucleotide variant.
Coding change: c.3604G>T on transcript NM_001081.4 (MANE Select); coding-DNA position 3604, G replaced by T.
Protein change: p.Ala1202Ser; replaces alanine 1202 with serine.
Molecular consequence: missense variant.
Genome position (GRCh38, 1-based): chr10:17,045,075, C>A on the plus strand (G>T on the coding strand, the complement: CUBN is on the minus strand). VCF-style: chr10-17045075-C-A. GRCh37 (hg19) VCF-style: chr10-17087074-C-A.
Other names: short protein forms A1202S.
Identifiers: ClinVar variation 877581 (VCV000877581.14), dbSNP rs141740096, ClinGen allele CA5424617.
Genomic context (GRCh38, chr10:17,045,075, plus strand): 5'-AATCTAAAGTGCAGTTTGGATGATGCTCCAAGTGAAAGTCTTTGAATTCCAGTTCAAATG[C>A]GCTGCCGTGGCTAGATTTCAACCACCAGTAGCATTCAGAGCTGTGGTAATAGGGCATCGG-3'
Protein context (NP_001072.2, residues 1192-1212): YWWLKSSHGS[Ala1202Ser]FELEFKDFHL